The following is an entry in ClinVar:

NM_001330260.2(SCN8A):c.4589T>A (p.Met1530Lys)

Gene: SCN8A (sodium voltage-gated channel alpha subunit 8; plus strand). Cytogenetic location: 12q13.13.
Variant type: single nucleotide variant.
Coding change: c.4589T>A on transcript NM_001330260.2 (MANE Select); coding-DNA position 4589, T replaced by A.
Protein change: p.Met1530Lys; replaces methionine 1530 with lysine.
Molecular consequence: missense variant.
Genome position (GRCh38, 1-based): chr12:51,794,435, T>A. VCF-style: chr12-51794435-T-A. GRCh37 (hg19) VCF-style: chr12-52188219-T-A.
Other names: c.4466T>A, p.Met1489Lys (NM_001177984.3, NM_001369788.1); c.4589T>A, p.Met1530Lys (NM_014191.4); short protein forms M1489K, M1530K.
Identifiers: ClinVar variation 4056046 (VCV004056046.1).
Genomic context (GRCh38, chr12:51,794,435, plus strand): 5'-AAATCCAAGGAATCGTCTTTGATTTTGTCACTCAGCAAGCCTTTGACATTGTTATCATGA[T>A]GCTCATCTGCCTTAACATGGTGACAATGATGGTGGAGACAGACACTCAAAGCAAGCAGAT-3'
Protein context (NP_001317189.1, residues 1520-1540): TQQAFDIVIM[Met1530Lys]LICLNMVTMM

ClinVar aggregate classification (germline): Uncertain significance (1 of 4 stars; one submission).

Submission:

GeneDx
Classification: Uncertain significance. Last evaluated: 2025-01-06. Review status: criteria provided, single submitter. Criteria: GeneDx Variant Classification Process June 2021. Collection method: clinical testing. Allele origin: germline. Affected: yes.
Comment: Not observed at significant frequency in large population cohorts (gnomAD); In silico analysis supports that this missense variant has a deleterious effect on protein structure/function; This substitution is predicted to be within the transmembrane segment S1 of the fourth homologous domain; Has not been previously published as pathogenic or benign to our knowledge